The following is an entry in ClinVar:

ClinVar aggregate classification (germline): Likely benign. Review status: criteria provided, single submitter (1 of 4 stars). 2 submissions from 2 submitters: Likely benign (1). 1 of the submissions does not count toward it. Last evaluated 2025-07-28.

Conditions:
Cohen syndrome (COH1). Also called: Cutis verticis gyrata, retinitis pigmentosa, and sensorineural deafness; PEPPER SYNDROME. Identifiers: Orphanet 193, MedGen C0265223, MONDO:0008999, OMIM 216550.
VPS13B-related disorder. Also called: VPS13B-related condition.

Allele frequency attached by ClinVar (database versions not stated): gnomAD 0.00001.
gnomAD v4.1: 1 of 1,613,184 alleles (0.000062%); highest among the groups gnomAD compares: African/African-American, 0.0013%; no homozygotes.

Submissions (2):

Labcorp Genetics (formerly Invitae), Labcorp
Classification: Likely benign for Cohen syndrome. Last evaluated: 2025-07-28. Review status: criteria provided, single submitter. Criteria: Invitae Variant Classification Sherloc (09022015). Collection method: clinical testing. Allele origin: germline.

PreventionGenetics, part of Exact Sciences
Classification: Likely benign for VPS13B-related condition. Last evaluated: 2024-05-29. Review status: no assertion criteria provided. Collection method: clinical testing. Allele origin: germline. Not counted in ClinVar's aggregate classification.
Comment: This variant is classified as likely benign based on ACMG/AMP sequence variant interpretation guidelines (Richards et al. 2015 PMID: 25741868, with internal and published modifications).

NM_152564.5(VPS13B):c.813G>C (p.Leu271=)

Gene: VPS13B (vacuolar protein sorting 13 homolog B; plus strand). Cytogenetic location: 8q22.2.
Variant type: single nucleotide variant.
Coding change: c.813G>C on transcript NM_152564.5 (MANE Select); coding-DNA position 813, G replaced by C.
Protein change: p.Leu271=; no amino-acid change (leucine 271 retained).
Molecular consequence: synonymous variant. On other transcripts: non-coding transcript variant (1).
Genome position (GRCh38, 1-based): chr8:99,115,750, G>C. VCF-style: chr8-99115750-G-C. GRCh37 (hg19) VCF-style: chr8-100127978-G-C.
Other names: c.813G>C (NM_152564.4); c.813G>C, p.Leu271= (NM_015243.3, NM_017890.5, NM_181661.3).
Identifiers: ClinVar variation 1569960 (VCV001569960.9), dbSNP rs1563548958, ClinGen allele CA462421666.
Genomic context (GRCh38, chr8:99,115,750, plus strand): 5'-CAAAATGCAGATTCATACTTTAGTGGAAAGTTTGAAACTTTCTATCACAGATCAACAACT[G>C]CCTATGTTTATTCGTATAATGCAACTTGGAATTGCTCTTTACTATGGAGAAATAGGCAAT-3'
Protein context (NP_689777.3, residues 261-281): SLKLSITDQQ[Leu271=]PMFIRIMQLG